The following is an entry in ClinVar:

ClinVar aggregate classification (germline): Likely pathogenic (1 of 4 stars; one submission).

Conditions:
Very long chain acyl-CoA dehydrogenase deficiency (ACADVLD). Also called: Very Long-Chain Acyl-Coenzyme A Dehydrogenase Deficiency; VLCAD Deficiency. Identifiers: Orphanet 26793, MedGen C3887523, MONDO:0008723, OMIM 201475.

Allele frequency attached by ClinVar (database versions not stated): gnomAD exomes below 0.00001.
gnomAD v4.1: 2 of 1,613,094 alleles (0.00012%); highest among the groups gnomAD compares: Non-Finnish European, 0.00017%; no homozygotes.

Submission:

Wong Mito Lab, Molecular and Human Genetics, Baylor College of Medicine
Classification: Likely pathogenic for Very long chain acyl-CoA dehydrogenase deficiency. Last evaluated: 2019-11-01. Review status: criteria provided, single submitter. Criteria: ACMG Guidelines, 2015. Collection method: clinical testing. Allele origin: germline.
Comment: The NM_000018.3:c.1046C>A (NP_000009.1:p.Ala349Glu) [GRCH38: NC_000017.11:g.7222834C>A] variant in ACADVL gene is interpretated to be Likely pathogenic based on ACMG guidelines (PMID: 25741868). This variant has been reported. This variant meets the following evidence codes reported in the ACMG guidelines: PM1, PM3, PP3, PP4

NM_000018.4(ACADVL):c.1046C>A (p.Ala349Glu)

Gene: ACADVL (acyl-CoA dehydrogenase very long chain; plus strand). Cytogenetic location: 17p13.1.
Variant type: single nucleotide variant.
Coding change: c.1046C>A on transcript NM_000018.4 (MANE Select); coding-DNA position 1046, C replaced by A.
Protein change: p.Ala349Glu; replaces alanine 349 with glutamic acid.
Molecular consequence: missense variant.
Genome position (GRCh38, 1-based): chr17:7,222,834, C>A. VCF-style: chr17-7222834-C-A. GRCh37 (hg19) VCF-style: chr17-7126153-C-A.
Other names: c.980C>A, p.Ala327Glu (NM_001033859.3); c.1115C>A, p.Ala372Glu (NM_001270447.2); c.818C>A, p.Ala273Glu (NM_001270448.2); short protein forms A273E, A349E, A327E, A372E.
Identifiers: ClinVar variation 932871 (VCV000932871.2), dbSNP rs1227564457, ClinGen allele CA397724234.